The following is an entry in ClinVar:

ClinVar aggregate classification (germline): Uncertain significance (1 of 4 stars; one submission).

Conditions:
DYRK1B-related disorder. Also called: DYRK1B-related condition.

Submission:

PreventionGenetics, part of Exact Sciences
Classification: Uncertain significance for DYRK1B-related condition. Last evaluated: 2025-03-19. Review status: criteria provided, single submitter. Criteria: ACMG Guidelines, 2015. Collection method: clinical testing. Allele origin: germline.
Comment: The DYRK1B c.71C>T variant is predicted to result in the amino acid substitution p.Pro24Leu. To our knowledge, this variant has not been reported in the literature or in a large population database (gnomAD), indicating this variant is rare. At this time, the clinical significance of this variant is uncertain due to the absence of conclusive functional and genetic evidence.

NM_004714.3(DYRK1B):c.71C>T (p.Pro24Leu)

Gene: DYRK1B (dual specificity tyrosine phosphorylation regulated kinase 1B; minus strand). Cytogenetic location: 19q13.2.
Variant type: single nucleotide variant.
Coding change: c.71C>T on transcript NM_004714.3 (MANE Select); coding-DNA position 71, C replaced by T.
Protein change: p.Pro24Leu; replaces proline 24 with leucine.
Molecular consequence: missense variant.
Genome position (GRCh38, 1-based): chr19:39,830,776, G>A on the plus strand (C>T on the coding strand, the complement: DYRK1B is on the minus strand). VCF-style: chr19-39830776-G-A. GRCh37 (hg19) VCF-style: chr19-40321416-G-A.
Other names: c.71C>T, p.Pro24Leu (NM_006483.3, NM_006484.3); short protein forms P24L.
Identifiers: ClinVar variation 4998584 (VCV004998584.1).